The following is an entry in ClinVar:

NM_032043.3(BRIP1):c.2457_2464del (p.Ala821fs)

Gene: BRIP1 (BRCA1 interacting DNA helicase 1; minus strand). Cytogenetic location: 17q23.2.
Variant type: Deletion.
Coding change: c.2457_2464del on transcript NM_032043.3 (MANE Select); coding-DNA positions 2457 to 2464, 8 bases deleted (TCAAGCAT; older notation c.2457_2464delTCAAGCAT).
Protein change: p.Ala821fs; shifts the reading frame from alanine 821.
Molecular consequence: frameshift variant.
Genome position (GRCh38, 1-based): chr17:61,715,979-61,715,986, ATGCTTGA deleted on the plus strand (TCAAGCAT on the coding strand, the reverse complement: BRIP1 is on the minus strand); deleting any 8 consecutive bases within chr17:61,715,979-61,715,988 gives the same sequence; the c. name uses the placement nearest the transcript's 3' end. VCF-style (leftmost placement, unchanged base first): chr17-61715978-TATGCTTGA-T. GRCh37 (hg19) VCF-style: chr17-59793339-TATGCTTGA-T.
Other names: c.2457_2464delTCAAGCAT (NM_032043.2); short protein forms A821fs.
Identifiers: ClinVar variation 4216245 (VCV004216245.1).

ClinVar aggregate classification (germline): Pathogenic (1 of 4 stars; one submission).

Conditions:
Hereditary cancer-predisposing syndrome. Also called: Hereditary Cancer Syndrome; Hereditary neoplastic syndrome; Neoplastic Syndromes, Hereditary; Tumor predisposition. Identifiers: Orphanet 140162, MedGen C0027672, MeSH D009386, MONDO:0015356.

Submission:

Ambry Genetics
Classification: Pathogenic for Hereditary cancer-predisposing syndrome. Last evaluated: 2025-07-01. Review status: criteria provided, single submitter. Criteria: Ambry Variant Classification Scheme 2023. Collection method: clinical testing. Allele origin: germline.
Comment: The c.2457_2464delTCAAGCAT pathogenic mutation, located in coding exon 16 of the BRIP1 gene, results from a deletion of 8 nucleotides at nucleotide positions 2457 to 2464, causing a translational frameshift with a predicted alternate stop codon (p.A821Gfs*8). This variant is considered to be rare based on population cohorts in the Genome Aggregation Database (gnomAD). This alteration is expected to result in loss of function by premature protein truncation or nonsense-mediated mRNA decay. As such, this alteration is interpreted as a disease-causing mutation.